The following is an entry in ClinVar:

ClinVar aggregate classification (germline): Conflicting classifications of pathogenicity. Review status: criteria provided, conflicting classifications (1 of 4 stars). 2 submissions from 2 submitters: Uncertain significance (1); Likely benign (1). Last evaluated 2023-03-23.

Conditions:
Hereditary breast ovarian cancer syndrome. Also called: Hereditary breast and ovarian cancer syndrome; Hereditary breast and/or ovarian cancer syndrome; Hereditary breast and ovarian cancer syndrome (HBOC); Breast and ovarian cancer; BRCA1- and BRCA2-Associated Hereditary Breast and Ovarian Cancer; Hereditary breast and ovarian cancer. Identifiers: Orphanet 145, MedGen C0677776, MeSH D061325, MONDO:0003582. Disease mechanism: loss of function.
Hereditary cancer-predisposing syndrome. Also called: Neoplastic Syndromes, Hereditary; Hereditary Cancer Syndrome; Tumor predisposition; Hereditary neoplastic syndrome. Identifiers: Orphanet 140162, MedGen C0027672, MeSH D009386, MONDO:0015356.

Submissions (2):

University of Washington Department of Laboratory Medicine, University of Washington
Classification: Likely benign for Hereditary cancer-predisposing syndrome. Last evaluated: 2023-03-23. Review status: criteria provided, single submitter. Criteria: Dines et al. (Genet Med. 2020). Collection method: curation. Allele origin: germline.
Comment: Missense variant in a coldspot region where missense variants are very unlikely to be pathogenic (PMID:31911673).

BRCA1 coldspot (exon 11 using historical exon numbering). Reclassification based on statistical prior probability

Labcorp Genetics (formerly Invitae), Labcorp
Classification: Uncertain significance for Hereditary breast ovarian cancer syndrome. Last evaluated: 2020-01-07. Review status: criteria provided, single submitter. Criteria: Invitae Variant Classification Sherloc (09022015). Collection method: clinical testing. Allele origin: germline.
Comment: This variant has not been reported in the literature in individuals with BRCA1-related disease. This variant is not present in population databases (ExAC no frequency). This sequence change replaces phenylalanine with tyrosine at codon 885 of the BRCA1 protein (p.Phe885Tyr). The phenylalanine residue is weakly conserved and there is a small physicochemical difference between phenylalanine and tyrosine. In summary, the available evidence is currently insufficient to determine the role of this variant in disease. Therefore, it has been classified as a Variant of Uncertain Significance. Algorithms developed to predict the effect of missense changes on protein structure and function (SIFT, PolyPhen-2, Align-GVGD) all suggest that this variant is likely to be tolerated, but these predictions have not been confirmed by published functional studies and their clinical significance is uncertain.

NM_007294.4(BRCA1):c.2654T>A (p.Phe885Tyr)

Gene: BRCA1 (BRCA1 DNA repair associated; minus strand). Cytogenetic location: 17q21.31.
Variant type: single nucleotide variant.
Coding change: c.2654T>A on transcript NM_007294.4 (MANE Select); coding-DNA position 2654, T replaced by A.
Protein change: p.Phe885Tyr; replaces phenylalanine 885 with tyrosine.
Molecular consequence: missense variant. On other transcripts: intron variant (137).
Genome position (GRCh38, 1-based): chr17:43,092,877, A>T on the plus strand (T>A on the coding strand, the complement: BRCA1 is on the minus strand). VCF-style: chr17-43092877-A-T. GRCh37 (hg19) VCF-style: chr17-41244894-A-T.
Other names: c.2441T>A, p.Phe814Tyr (NM_001407571.1, NM_001407853.1, NM_001407894.1 and 9 more transcripts); c.2654T>A, p.Phe885Tyr (NM_001407581.1, NM_001407582.1, NM_001407583.1 and 30 more transcripts); c.2651T>A, p.Phe884Tyr (NM_001407587.1, NM_001407590.1, NM_001407591.1 and 22 more transcripts); c.2645T>A, p.Phe882Tyr (NM_001407646.1, NM_001407647.1); c.2531T>A, p.Phe844Tyr (NM_001407648.1, NM_001407664.1, NM_001407665.1 and 19 more transcripts); c.2528T>A, p.Phe843Tyr (NM_001407649.1, NM_001407670.1, NM_001407671.1 and 11 more transcripts); c.2576T>A, p.Phe859Tyr (NM_001407653.1, NM_001407654.1, NM_001407655.1 and 4 more transcripts); c.2573T>A, p.Phe858Tyr (NM_001407659.1, NM_001407660.1, NM_001407661.1 and 1 more transcripts); and 41 more; short protein forms F885Y, F838Y, F717Y, F758Y, F797Y, F817Y, F818Y, F882Y.
Identifiers: ClinVar variation 582375 (VCV000582375.12), dbSNP rs1567794788, ClinGen allele CA10596687.